The following is an entry in ClinVar:

ClinVar aggregate classification (germline): Uncertain significance (1 of 4 stars; one submission).

Conditions:
Familial thoracic aortic aneurysm and aortic dissection (TAAD). Also called: Thoracic aortic aneurysms and dissections. Identifiers: Orphanet 91387, MedGen C4707243, MONDO:0019625.

Submission:

Ambry Genetics
Classification: Uncertain significance for Familial thoracic aortic aneurysm and aortic dissection. Last evaluated: 2021-05-25. Review status: criteria provided, single submitter. Criteria: Ambry Variant Classification Scheme 2023. Collection method: clinical testing. Allele origin: germline.
Comment: The c.1588+3A>G intronic variant results from an A to G substitution 3 nucleotides after coding exon 12 in the FBN1 gene. This nucleotide position is highly conserved in available vertebrate species. In silico splice site analysis for this alteration is inconclusive. Since supporting evidence is limited at this time, the clinical significance of this alteration remains unclear.

NM_000138.5(FBN1):c.1588+3A>G

Gene: FBN1 (fibrillin 1; minus strand). Cytogenetic location: 15q21.1.
Variant type: single nucleotide variant.
Coding change: c.1588+3A>G on transcript NM_000138.5 (MANE Select); 3 bases into the intron after coding-DNA position 1588, A replaced by G.
Molecular consequence: intron variant.
Genome position (GRCh38, 1-based): chr15:48,513,546, T>C on the plus strand (A>G on the coding strand, the complement: FBN1 is on the minus strand). VCF-style: chr15-48513546-T-C. GRCh37 (hg19) VCF-style: chr15-48805743-T-C.
Identifiers: ClinVar variation 1775838 (VCV001775838.2), dbSNP rs2505613425, ClinGen allele CA2580089661.